The following is an entry in ClinVar:

NM_025114.4(CEP290):c.1709C>G (p.Ser570Ter)

Gene: CEP290 (centrosomal protein 290; minus strand). Cytogenetic location: 12q21.32.
Variant type: single nucleotide variant.
Coding change: c.1709C>G on transcript NM_025114.4 (MANE Select); coding-DNA position 1709, C replaced by G.
Protein change: p.Ser570Ter; replaces serine 570 with a stop codon.
Molecular consequence: nonsense.
Genome position (GRCh38, 1-based): chr12:88,118,485, G>C on the plus strand (C>G on the coding strand, the complement: CEP290 is on the minus strand). VCF-style: chr12-88118485-G-C. GRCh37 (hg19) VCF-style: chr12-88512262-G-C.
Other names: short protein forms S570*.
Identifiers: ClinVar variation 488821 (VCV000488821.14), dbSNP rs1272411609, ClinGen allele CA385978708.
Genomic context (GRCh38, chr12:88,118,485, plus strand): 5'-ATCCAGACAACTCACTTATCAATAATTCTTTTTAAAGGTTTAGAATAACTGAGTATACCT[G>C]AAGTTGCACTTCTTTTTCCTCTTTCTTGAGCCATTTGACGAATTTTTTTTTTCAGATCAA-3'

ClinVar aggregate classification (germline): Pathogenic. Review status: criteria provided, multiple submitters, no conflicts (2 of 4 stars). 6 submissions from 6 submitters: Pathogenic (6). Last evaluated 2025-03-23.

Conditions:
CEP290-related ciliopathy. Also called: CEP290 ciliopathy. Identifiers: MedGen CN305601, MONDO:0100451.
CEP290-related disorder. Also called: CEP290-related condition; CEP290-related disorders. Identifiers: MedGen CN239314.
Bardet-Biedl syndrome 14 (BBS14). Identifiers: Orphanet 110, MedGen C2673874, MONDO:0014442, OMIM 615991.
Joubert syndrome. Also called: JOUBERT-BOLTSHAUSER SYNDROME; Familial aplasia of the vermis. Identifiers: Orphanet 475, MedGen C5979921, MONDO:0018772.
Meckel-Gruber syndrome. Also called: DYSENCEPHALIA SPLANCHNOCYSTICA; GRUBER SYNDROME; Dysencephalia splachnocystica. Identifiers: Orphanet 564, MedGen C0265215, MONDO:0018921.
Nephronophthisis. Also called: Juvenile Nephronophthisis. Identifiers: Orphanet 655, MedGen C0687120, MONDO:0019005, HP:0000090.
Retinal dystrophy. Also called: Inherited retinal dystrophy. Identifiers: Orphanet 71862, MedGen C0854723, MeSH D058499, MONDO:0019118, HP:0000556.

gnomAD v4.1: 6 of 1,553,896 alleles (0.00039%); highest among the groups gnomAD compares: South Asian, 0.0012%; no homozygotes.

Submissions (6):

PreventionGenetics, part of Exact Sciences
Classification: Pathogenic for CEP290-related condition. Last evaluated: 2025-03-23. Review status: criteria provided, single submitter. Criteria: ACMG Guidelines, 2015. Collection method: clinical testing. Allele origin: germline.
Comment: The CEP290 c.1709C>G variant is predicted to result in premature protein termination (p.Ser570*). This variant, with another pathogenic CEP290 variant, has been reported in an individual with Leber congenital amaurosis (Perrault et al. 2007. PubMed ID: 17345604). This variant is reported in 0.0084% of alleles in individuals of East Asian descent in gnomAD. Nonsense variants in CEP290 are expected to be pathogenic. This variant is interpreted as pathogenic.

Baylor Genetics
Classification: Pathogenic for Bardet-Biedl syndrome 14. Last evaluated: 2024-02-11. Review status: criteria provided, single submitter. Criteria: ACMG Guidelines, 2015. Collection method: clinical testing. Allele origin: unknown.

Myriad Genetics, Inc.
Classification: Pathogenic for CEP290-related ciliopathy. Last evaluated: 2024-01-29. Review status: criteria provided, single submitter. Criteria: Myriad Autosomal Dominant, Autosomal Recessive and X-Linked Classification Criteria (2023). Collection method: clinical testing. Allele origin: unknown.
Comment: NM_025114.3(CEP290):c.1709C>G(S570*) is expected to be pathogenic in the context of CEP290-related disorders. This variant is predicted to lead to an abnormal or absent protein product due to the creation of a premature termination codon in CEP290, a gene where loss-of-function variants are known to be pathogenic. Please note: this variant was assessed in the context of healthy population screening.

Labcorp Genetics (formerly Invitae), Labcorp
Classification: Pathogenic for Joubert syndrome; Meckel-Gruber syndrome; Nephronophthisis. Last evaluated: 2023-07-31. Review status: criteria provided, single submitter. Criteria: Invitae Variant Classification Sherloc (09022015). Collection method: clinical testing. Allele origin: germline.
Comment: The frequency data for this variant in the population databases is considered unreliable, as metrics indicate poor data quality at this position in the gnomAD database. This sequence change creates a premature translational stop signal (p.Ser570*) in the CEP290 gene. It is expected to result in an absent or disrupted protein product. Loss-of-function variants in CEP290 are known to be pathogenic (PMID: 16909394, 17345604, 20690115). This premature translational stop signal has been observed in individual(s) with Leber congenital amaurosis (PMID: 17345604). ClinVar contains an entry for this variant (Variation ID: 488821). For these reasons, this variant has been classified as Pathogenic.

GeneDx
Classification: Pathogenic. Last evaluated: 2022-08-02. Review status: criteria provided, single submitter. Criteria: GeneDx Variant Classification Process June 2021. Collection method: clinical testing. Allele origin: germline. Affected: yes.
Comment: Nonsense variant predicted to result in protein truncation or nonsense mediated decay in a gene for which loss of function is a known mechanism of disease; Not observed at significant frequency in large population cohorts (gnomAD); This variant is associated with the following publications: (PMID: 25525159, 31589614, 20079931, 28829391, 17345604)

Institute of Human Genetics, Univ. Regensburg, Univ. Regensburg
Classification: Pathogenic for Retinal dystrophy. Last evaluated: 2015-01-01. Review status: criteria provided, single submitter. Criteria: ACMG Guidelines, 2015. Collection method: clinical testing. Allele origin: germline. Affected: yes.

Literature cited by the submitters: PubMed 16909394 (cited by Labcorp Genetics (formerly Invitae), Labcorp); PubMed 17345604 (cited by Labcorp Genetics (formerly Invitae), Labcorp and Institute of Human Genetics, Univ. Regensburg, Univ. Regensburg); PubMed 20690115 (cited by Labcorp Genetics (formerly Invitae), Labcorp); PubMed 25525159 (cited by Institute of Human Genetics, Univ. Regensburg, Univ. Regensburg); PubMed 31589614 (cited by Institute of Human Genetics, Univ. Regensburg, Univ. Regensburg).